The following is an entry in ClinVar:

ClinVar aggregate classification (germline): Pathogenic (1 of 4 stars; one submission).

Conditions:
Hereditary hemochromatosis (HFE). Identifiers: MedGen C0392514, MONDO:0006507. Disease mechanism: loss of function.

Submission:

Labcorp Genetics (formerly Invitae), Labcorp
Classification: Pathogenic for Hereditary hemochromatosis. Last evaluated: 2024-01-22. Review status: criteria provided, single submitter. Criteria: Invitae Variant Classification Sherloc (09022015). Collection method: clinical testing. Allele origin: germline.
Comment: This sequence change creates a premature translational stop signal (p.Thr222Leufs*7) in the HFE gene. It is expected to result in an absent or disrupted protein product. Loss-of-function variants in HFE are known to be pathogenic (PMID: 27518069). This variant is not present in population databases (gnomAD no frequency). This variant has not been reported in the literature in individuals affected with HFE-related conditions. For these reasons, this variant has been classified as Pathogenic.

Literature cited by the submitters: PubMed 27518069.

NM_000410.4(HFE):c.663del (p.Thr222fs)

Gene: HFE (homeostatic iron regulator; plus strand). Cytogenetic location: 6p22.2.
Variant type: Deletion.
Coding change: c.663del on transcript NM_000410.4 (MANE Select); coding-DNA position 663, one base deleted (C; older notation c.663delC).
Protein change: p.Thr222fs; shifts the reading frame from threonine 222.
Molecular consequence: frameshift variant. On other transcripts: intron variant (1).
Genome position (GRCh38, 1-based): chr6:26,092,731, C deleted; the last of 2 consecutive C bases (chr6:26,092,730-26,092,731); deleting either gives the same sequence. VCF-style (leftmost placement, unchanged base first): chr6-26092729-AC-A. GRCh37 (hg19) VCF-style: chr6-26092957-AC-A.
Other names: c.663del, p.Thr222fs (NM_001300749.3, NM_001384164.1); c.654del, p.Thr219fs (NM_001406751.1); c.399del, p.Thr134fs (NM_001406752.1, NM_139007.3); c.345del, p.Thr116fs (NM_139003.3); c.387del, p.Thr130fs (NM_139004.3); c.621del, p.Thr208fs (NM_139006.3); c.357del, p.Thr120fs (NM_139008.3); c.594del, p.Thr199fs (NM_139009.3); and 2 more; short protein forms T120fs, T199fs, T219fs, T208fs, T222fs, T42fs, T116fs, T130fs.
Identifiers: ClinVar variation 2710835 (VCV002710835.3), dbSNP rs2481619371, ClinGen allele CA2697546648.